The following is an entry in ClinVar:

ClinVar aggregate classification (germline): Pathogenic/Likely pathogenic. Review status: criteria provided, multiple submitters, no conflicts (2 of 4 stars). 5 submissions from 5 submitters: Pathogenic (4); Likely pathogenic (1). Last evaluated 2025-12-05.

Conditions:
EHMT1-related disorders.
Kleefstra syndrome 1 (KLEFS1). Identifiers: Orphanet 261494, MedGen C0795833, MONDO:0027407, OMIM 610253.

Allele frequency attached by ClinVar (database versions not stated): gnomAD exomes below 0.00001.
gnomAD v4.1: 1 of 1,614,162 alleles (0.000062%); highest among the groups gnomAD compares: Non-Finnish European, 0.000085%; no homozygotes.

Submissions (5):

GeneDx
Classification: Pathogenic. Last evaluated: 2025-12-05. Review status: criteria provided, single submitter. Criteria: GeneDx Variant Classification Process June 2021. Collection method: clinical testing. Allele origin: germline. Affected: yes.
Comment: Nonsense variant predicted to result in protein truncation or nonsense mediated decay in a gene for which loss of function is a known mechanism of disease; Not observed at significant frequency in large population cohorts (gnomAD); This variant is associated with the following publications: (PMID: 32058062, 34265435, 39013458)

Blueprint Genetics
Classification: Pathogenic for EHMT1-related disorders. Last evaluated: 2022-02-24. Review status: criteria provided, single submitter. Criteria: ACMG Guidelines, 2015. Collection method: clinical testing. Allele origin: de novo. Affected: yes. Observed: 2 variant alleles.

Institute of Human Genetics, University of Leipzig Medical Center
Classification: Pathogenic for Kleefstra syndrome 1. Last evaluated: 2021-06-21. Review status: criteria provided, single submitter. Criteria: ACMG Guidelines, 2015. Collection method: clinical testing. Allele origin: de novo. Affected: yes.
Comment: This variant was identified as de novo (maternity and paternity confirmed).

Centre for Mendelian Genomics, University Medical Centre Ljubljana
Classification: Likely pathogenic for Kleefstra syndrome 1. Last evaluated: 2016-01-01. Review status: criteria provided, single submitter. Criteria: ACMG Guidelines, 2015. Collection method: clinical testing. Allele origin: unknown. Affected: yes.
Comment: This variant was classified as: Likely pathogenic. The following ACMG criteria were applied in classifying this variant: PVS1,PM2.

Laboratory of Genetics, Children's Clinical University Hospital Latvia
Classification: Pathogenic for Kleefstra syndrome 1. Review status: criteria provided, single submitter. Criteria: ACMG Guidelines, 2015. Collection method: curation. Allele origin: de novo. Affected: yes.
Comment: de novo

Literature cited by the submitters: PubMed 39013458 (cited by Laboratory of Genetics, Children's Clinical University Hospital Latvia).

NM_024757.5(EHMT1):c.736C>T (p.Arg246Ter)

Gene: EHMT1 (euchromatic histone lysine methyltransferase 1; plus strand). Cytogenetic location: 9q34.3.
Variant type: single nucleotide variant.
Coding change: c.736C>T on transcript NM_024757.5 (MANE Select); coding-DNA position 736, C replaced by T.
Protein change: p.Arg246Ter; replaces arginine 246 with a stop codon.
Molecular consequence: nonsense.
Genome position (GRCh38, 1-based): chr9:137,728,442, C>T. VCF-style: chr9-137728442-C-T. GRCh37 (hg19) VCF-style: chr9-140622894-C-T.
Other names: c.736C>T, p.Arg246Ter (NM_001145527.2, NM_001354263.2, NM_001354611.2); c.643C>T, p.Arg215Ter (NM_001354259.2, NM_001354612.2); short protein forms R215*, R246*.
Identifiers: ClinVar variation 930352 (VCV000930352.8), dbSNP rs1474604202, ClinGen allele CA375772076.